The following is an entry in ClinVar:

NM_000937.5(POLR2A):c.1366G>A (p.Val456Ile)

Gene: POLR2A (RNA polymerase II subunit A; plus strand). Cytogenetic location: 17p13.1.
Variant type: single nucleotide variant.
Coding change: c.1366G>A on transcript NM_000937.5 (MANE Select); coding-DNA position 1366, G replaced by A.
Protein change: p.Val456Ile; replaces valine 456 with isoleucine.
Molecular consequence: missense variant.
Genome position (GRCh38, 1-based): chr17:7,499,069, G>A. VCF-style: chr17-7499069-G-A. GRCh37 (hg19) VCF-style: chr17-7402388-G-A.
Other names: short protein forms V456I.
Identifiers: ClinVar variation 4854927 (VCV004854927.1).

ClinVar aggregate classification (germline): Uncertain significance (1 of 4 stars; one submission).

Conditions:
Neurodevelopmental disorder with hypotonia and variable intellectual and behavioral abnormalities. Identifiers: MedGen C5231423, MONDO:0032829, OMIM 618603.

Submission:

3billion
Classification: Uncertain significance for Neurodevelopmental disorder with hypotonia and variable intellectual and behavioral abnormalities. Last evaluated: 2025-12-19. Review status: criteria provided, single submitter. Criteria: ACMG Guidelines, 2015. Collection method: clinical testing. Allele origin: germline. Affected: yes.
Comment: The variant is observed at an extremely low frequency in the gnomAD v4.1.0 dataset (total allele frequency: <0.001%). Predicted Consequence/Location: Missense variant. Missense changes are a common disease-causing mechanism. Damaging effect on gene or gene product predicted by in silico programs is uncertain [3Cnet: 0.39 (damaging >0.75, benign <0.1)]. A different missense change at the same codon (p.Val456Ala) has been reported to be associated with POLR2A-related disorder (PMID: 35328024). However the evidence of pathogenicity is insufficient at this time. Therefore, this variant is classified as VUS according to the recommendation of ACMG/AMP guideline.

Literature cited by the submitters: PubMed 35328024.